The following is an entry in ClinVar:

NM_144573.4(NEXN):c.283G>A (p.Val95Ile)

Genes: NEXN (nexilin F-actin binding protein; plus strand), LOC126805765 (BRD4-independent group 4 enhancer GRCh37_chr1:78383688-78384887; plus strand). Cytogenetic location: 1p31.1.
Variant type: single nucleotide variant.
Coding change: c.283G>A on transcript NM_144573.4 (MANE Select); coding-DNA position 283, G replaced by A.
Protein change: p.Val95Ile; replaces valine 95 with isoleucine.
Molecular consequence: missense variant.
Genome position (GRCh38, 1-based): chr1:77,918,023, G>A. VCF-style: chr1-77918023-G-A. GRCh37 (hg19) VCF-style: chr1-78383708-G-A.
Other names: c.91G>A, p.Val31Ile (NM_001172309.2); short protein forms V31I, V95I.
Identifiers: ClinVar variation 3878963 (VCV003878963.2).

ClinVar aggregate classification (germline): Uncertain significance. Review status: criteria provided, multiple submitters, no conflicts (2 of 4 stars). 2 submissions from 2 submitters: Uncertain significance (2). Last evaluated 2026-01-10.

Conditions:
Cardiovascular phenotype. Identifiers: MedGen CN230736.

gnomAD v4.1: 6 of 1,613,514 alleles (0.00037%); highest among the groups gnomAD compares: African/African-American, 0.0067%; no homozygotes.

Submissions (2):

Women's Health and Genetics/Laboratory Corporation of America, LabCorp
Classification: Uncertain significance. Last evaluated: 2026-01-10. Review status: criteria provided, single submitter. Criteria: LabCorp Variant Classification Summary - May 2015. Collection method: clinical testing. Allele origin: germline.

Ambry Genetics
Classification: Uncertain significance for Cardiovascular phenotype. Last evaluated: 2025-02-20. Review status: criteria provided, single submitter. Criteria: Ambry Variant Classification Scheme 2023. Collection method: clinical testing. Allele origin: germline.
Comment: The p.V95I variant (also known as c.283G>A), located in coding exon 3 of the NEXN gene, results from a G to A substitution at nucleotide position 283. The valine at codon 95 is replaced by isoleucine, an amino acid with highly similar properties. This amino acid position is conserved. In addition, the in silico prediction for this alteration is inconclusive. Based on the available evidence, the clinical significance of this variant remains unclear.